The following is an entry in ClinVar:

NM_153766.3(KCNJ1):c.504dup (p.Arg169fs)

Gene: KCNJ1 (potassium inwardly rectifying channel subfamily J member 1; minus strand). Cytogenetic location: 11q24.3.
Variant type: Duplication.
Coding change: c.504dup on transcript NM_153766.3 (MANE Select); coding-DNA position 504, one base duplicated (A; older notation c.504dupA).
Protein change: p.Arg169fs; shifts the reading frame from arginine 169.
Molecular consequence: frameshift variant.
Genome position (GRCh38, 1-based): chr11:128,839,740, T duplicated on the plus strand (A on the coding strand, the reverse complement: KCNJ1 is on the minus strand); the first of 6 consecutive T bases (chr11:128,839,740-128,839,745); duplicating any one gives the same sequence. VCF-style (leftmost placement, unchanged base first): chr11-128839739-G-GT. GRCh37 (hg19) VCF-style: chr11-128709634-G-GT.
Other names: c.561dup, p.Arg188fs (NM_000220.6); c.504dup, p.Arg169fs (NM_153764.3, NM_153767.4); c.555dup, p.Arg186fs (NM_153765.3); short protein forms R188fs, R169fs, R186fs.
Identifiers: ClinVar variation 2825619 (VCV002825619.4), dbSNP rs769554073, ClinGen allele CA6357507.
Genomic context (GRCh38, chr11:128,839,739, plus strand): 5'-AAAGCTTCCCTCCCCGTTTGCTGATCACTGCGTTCTTGCTGAACGTAATGGTCTTGGCAC[G>GT]TTTTTTGGGCCTGGAGATCTTGGCTAAGATGGCCCCACACATGAAAGAATTGATTATAAC-3'

ClinVar aggregate classification (germline): Pathogenic/Likely pathogenic. Review status: criteria provided, multiple submitters, no conflicts (2 of 4 stars). 2 submissions from 2 submitters: Pathogenic (1); Likely pathogenic (1). Last evaluated 2024-03-08.

Conditions:
Bartter disease type 2. Also called: Bartter syndrome, type 2, antenatal; HYPERPROSTAGLANDIN E SYNDROME 2; HYPOKALEMIC ALKALOSIS WITH HYPERCALCIURIA 2, ANTENATAL. Identifiers: Orphanet 112, Orphanet 620220, MedGen C1855849, MONDO:0009424, OMIM 241200.

Submissions (2):

Fulgent Genetics
Classification: Likely pathogenic for Bartter disease type 2. Last evaluated: 2024-03-08. Review status: criteria provided, single submitter. Criteria: ACMG Guidelines, 2015. Collection method: clinical testing. Allele origin: germline.

Labcorp Genetics (formerly Invitae), Labcorp
Classification: Pathogenic. Last evaluated: 2022-12-31. Review status: criteria provided, single submitter. Criteria: Invitae Variant Classification Sherloc (09022015). Collection method: clinical testing. Allele origin: germline.
Comment: For these reasons, this variant has been classified as Pathogenic. This variant disrupts a region of the KCNJ1 protein in which other variant(s) (p.His354Serfs*8) have been determined to be pathogenic (PMID: 11318951). This suggests that this is a clinically significant region of the protein, and that variants that disrupt it are likely to be disease-causing. This variant has not been reported in the literature in individuals affected with KCNJ1-related conditions. This variant is present in population databases (rs769554073, gnomAD 0.0009%). This sequence change creates a premature translational stop signal (p.Arg188Thrfs*28) in the KCNJ1 gene. While this is not anticipated to result in nonsense mediated decay, it is expected to disrupt the last 204 amino acid(s) of the KCNJ1 protein.

Literature cited by the submitters: PubMed 11318951 (cited by Labcorp Genetics (formerly Invitae), Labcorp).